The following is an entry in ClinVar:

ClinVar aggregate classification (germline): Uncertain significance (0 of 4 stars; one submission).

Conditions:
EP300-related disorder. Also called: EP300-related condition; EP300-related disorders.

gnomAD v4.1: 1 of 1,614,206 alleles (0.000062%); highest among the groups gnomAD compares: South Asian, 0.0011%; no homozygotes.

Submission:

PreventionGenetics, part of Exact Sciences
Classification: Uncertain significance for EP300-related condition. Last evaluated: 2024-05-21. Review status: no assertion criteria provided. Collection method: clinical testing. Allele origin: germline.
Comment: The EP300 c.220G>A variant is predicted to result in the amino acid substitution p.Ala74Thr. To our knowledge, this variant has not been reported in the literature. This variant is reported in 0.0033% of alleles in individuals of South Asian descent in gnomAD. At this time, the clinical significance of this variant is uncertain due to the absence of conclusive functional and genetic evidence.

NM_001429.4(EP300):c.220G>A (p.Ala74Thr)

Gene: EP300 (E1A binding protein p300; plus strand). Cytogenetic location: 22q13.2.
Variant type: single nucleotide variant.
Coding change: c.220G>A on transcript NM_001429.4 (MANE Select); coding-DNA position 220, G replaced by A.
Protein change: p.Ala74Thr; replaces alanine 74 with threonine.
Molecular consequence: missense variant.
Genome position (GRCh38, 1-based): chr22:41,117,312, G>A. VCF-style: chr22-41117312-G-A. GRCh37 (hg19) VCF-style: chr22-41513316-G-A.
Other names: c.220G>A, p.Ala74Thr (NM_001362843.2); short protein forms A74T.
Identifiers: ClinVar variation 3346190 (VCV003346190.1).